The following is an entry in ClinVar:

ClinVar aggregate classification (germline): Uncertain significance (1 of 4 stars; one submission).

Submission:

Labcorp Genetics (formerly Invitae), Labcorp
Classification: Uncertain significance. Last evaluated: 2023-05-06. Review status: criteria provided, single submitter. Criteria: Invitae Variant Classification Sherloc (09022015). Collection method: clinical testing. Allele origin: germline.
Comment: Experimental studies and prediction algorithms are not available or were not evaluated, and the functional significance of this variant is currently unknown. In summary, the available evidence is currently insufficient to determine the role of this variant in disease. Therefore, it has been classified as a Variant of Uncertain Significance. This variant has not been reported in the literature in individuals affected with ZCCHC8-related conditions. This variant is not present in population databases (gnomAD no frequency). This sequence change replaces asparagine, which is neutral and polar, with aspartic acid, which is acidic and polar, at codon 67 of the ZCCHC8 protein (p.Asn67Asp).

NM_017612.5(ZCCHC8):c.199A>G (p.Asn67Asp)

Gene: ZCCHC8 (zinc finger CCHC-type containing 8; minus strand). Cytogenetic location: 12q24.31.
Variant type: single nucleotide variant.
Coding change: c.199A>G on transcript NM_017612.5 (MANE Select); coding-DNA position 199, A replaced by G.
Protein change: p.Asn67Asp; replaces asparagine 67 with aspartic acid.
Molecular consequence: missense variant. On other transcripts: 5 prime UTR variant (3).
Genome position (GRCh38, 1-based): chr12:122,500,642, T>C on the plus strand (A>G on the coding strand, the complement: ZCCHC8 is on the minus strand). VCF-style: chr12-122500642-T-C. GRCh37 (hg19) VCF-style: chr12-122985189-T-C.
Other names: c.199A>G, p.Asn67Asp (NM_001350935.2); c.-725A>G (NM_001350936.2); c.-346A>G (NM_001350937.2); c.-240A>G (NM_001350938.2); short protein forms N67D.
Identifiers: ClinVar variation 2862366 (VCV002862366.3), dbSNP rs2547222167, ClinGen allele CA482210443.